The following is an entry in ClinVar:

ClinVar aggregate classification (germline): other (0 of 4 stars; one submission).

Conditions:
Familial colorectal cancer. Identifiers: MedGen CN280943, MONDO:0023113. Disease mechanism: loss of function.

Submission:

Systems Biology Platform Zhejiang California International NanoSystems Institute
Classification: other for Familial colorectal cancer. Review status: no assertion criteria provided. Collection method: not provided. Allele origin: unknown.
ClinVar note: Converted during submission from cancer to other.

NM_001127511.3(APC):c.165+27250T>C

Gene: APC (APC regulator of Wnt signaling pathway; plus strand). Cytogenetic location: 5q22.2.
Variant type: single nucleotide variant.
Coding change: c.165+27250T>C on transcript NM_001127511.3; 27250 bases into the intron after coding-DNA position 165, T replaced by C.
Molecular consequence: intron variant.
Genome position (GRCh38, 1-based): chr5:112,735,132, T>C. VCF-style: chr5-112735132-T-C. GRCh37 (hg19) VCF-style: chr5-112070829-T-C.
Other names: c.-1053-19741T>C (NM_001407470.1, NM_001407472.1); c.-18-19741T>C (NM_001407447.1, NM_001354895.2, NM_001407456.1 and 7 more transcripts); c.165+27250T>C (NM_001407446.1, NM_001354897.2, NM_001354902.2); c.-43+27483T>C (NM_001407453.1).
Identifiers: ClinVar variation 82320 (VCV000082320.4), dbSNP rs74894775, ClinGen allele CA023609.